The following is an entry in ClinVar:

ClinVar aggregate classification (germline): Uncertain significance (1 of 4 stars; one submission).

Conditions:
Familial cancer of breast. Also called: Hereditary breast cancer; hereditary breast carcinoma; BREAST CANCER, FAMILIAL. Identifiers: Orphanet 227535, MedGen C0346153, MONDO:0016419, OMIM 114480. Disease mechanism: loss of function.
Fanconi anemia complementation group J. Also called: BRIP1-Related Fanconi Anemia. Identifiers: Orphanet 84, MedGen C1836860, MONDO:0012187, OMIM 609054.

Submission:

Labcorp Genetics (formerly Invitae), Labcorp
Classification: Uncertain significance for Familial cancer of breast; Fanconi anemia complementation group J. Last evaluated: 2023-08-04. Review status: criteria provided, single submitter. Criteria: Invitae Variant Classification Sherloc (09022015). Collection method: clinical testing. Allele origin: germline.
Comment: In summary, the available evidence is currently insufficient to determine the role of this variant in disease. Therefore, it has been classified as a Variant of Uncertain Significance. Variants that disrupt the consensus splice site are a relatively common cause of aberrant splicing (PMID: 17576681, 9536098). Algorithms developed to predict the effect of sequence changes on RNA splicing suggest that this variant may disrupt the consensus splice site. ClinVar contains an entry for this variant (Variation ID: 2030175). This variant has not been reported in the literature in individuals affected with BRIP1-related conditions. This variant is not present in population databases (gnomAD no frequency). This sequence change falls in intron 11 of the BRIP1 gene. It does not directly change the encoded amino acid sequence of the BRIP1 protein. It affects a nucleotide within the consensus splice site.

Literature cited by the submitters: PubMed 17576681; PubMed 9536098.

NM_032043.3(BRIP1):c.1628+4del

Gene: BRIP1 (BRCA1 interacting DNA helicase 1; minus strand). Cytogenetic location: 17q23.2.
Variant type: Deletion.
Coding change: c.1628+4del on transcript NM_032043.3 (MANE Select); 4 bases into the intron after coding-DNA position 1628, one base deleted (A; older notation c.1628+4delA).
Molecular consequence: intron variant.
Genome position (GRCh38, 1-based): chr17:61,784,266, T deleted on the plus strand (A on the coding strand, the reverse complement: BRIP1 is on the minus strand); the first of 2 consecutive T bases (chr17:61,784,266-61,784,267); deleting either gives the same sequence. VCF-style (leftmost placement, unchanged base first): chr17-61784265-CT-C. GRCh37 (hg19) VCF-style: chr17-59861626-CT-C.
Identifiers: ClinVar variation 2030175 (VCV002030175.4), dbSNP rs2145134648, ClinGen allele CA2580094530.